The following is an entry in ClinVar:

ClinVar aggregate classification (germline): Conflicting classifications of pathogenicity. Review status: criteria provided, conflicting classifications (1 of 4 stars). 2 submissions from 2 submitters: Likely pathogenic (1); Uncertain significance (1). Last evaluated 2025-07-31.

Conditions:
Niemann-Pick disease, type A. Also called: Infantile Neurovisceral ASMD (Niemann-Pick Disease Type A; NPD-A); SPHINGOMYELIN LIPIDOSIS; SPHINGOMYELINASE DEFICIENCY. Identifiers: Orphanet 77292, MedGen C0268242, MONDO:0009756, OMIM 257200. Disease mechanism: loss of function.
Niemann-Pick disease, type B. Also called: Chronic Visceral ASMD (Niemann-Pick Disease Type B; NPD-B). Identifiers: Orphanet 77293, MedGen C0268243, MONDO:0011871, OMIM 607616. Disease mechanism: loss of function.

Submissions (2):

Women's Health and Genetics/Laboratory Corporation of America, LabCorp
Classification: Uncertain significance. Last evaluated: 2025-07-31. Review status: criteria provided, single submitter. Criteria: LabCorp Variant Classification Summary - May 2015. Collection method: clinical testing. Allele origin: germline.
Comment: Variant summary: SMPD1 c.994C>G (p.Pro332Ala) results in a non-conservative amino acid change located in the Calcineurin-like phosphoesterase domain, ApaH type (IPR004843) of the encoded protein sequence. Algorithms developed to predict the effect of missense changes on protein structure and function all suggest that this variant is likely to be disruptive. The variant was absent in 251428 control chromosomes. The available data on variant occurrences in the general population are insufficient to allow any conclusion about variant significance. To our knowledge, no occurrence of c.994C>G in individuals affected with Niemann-Pick Disease and no experimental evidence demonstrating its impact on protein function have been reported. ClinVar contains an entry for this variant (Variation ID: 1957383). Based on the evidence outlined above, the variant was classified as uncertain significance.

Labcorp Genetics (formerly Invitae), Labcorp
Classification: Likely pathogenic for Niemann-Pick disease, type B; Niemann-Pick disease, type A. Last evaluated: 2022-03-10. Review status: criteria provided, single submitter. Criteria: Invitae Variant Classification Sherloc (09022015). Collection method: clinical testing. Allele origin: germline.
Comment: In summary, the currently available evidence indicates that the variant is pathogenic, but additional data are needed to prove that conclusively. Therefore, this variant has been classified as Likely Pathogenic. This variant disrupts the p.Pro332 amino acid residue in SMPD1. Other variant(s) that disrupt this residue have been determined to be pathogenic (PMID: 15545621, 17011332; Invitae). This suggests that this residue is clinically significant, and that variants that disrupt this residue are likely to be disease-causing. Advanced modeling of protein sequence and biophysical properties (such as structural, functional, and spatial information, amino acid conservation, physicochemical variation, residue mobility, and thermodynamic stability) performed at Invitae indicates that this missense variant is expected to disrupt SMPD1 protein function. This variant has not been reported in the literature in individuals affected with SMPD1-related conditions. This variant is not present in population databases (gnomAD no frequency). This sequence change replaces proline, which is neutral and non-polar, with alanine, which is neutral and non-polar, at codon 332 of the SMPD1 protein (p.Pro332Ala).

Literature cited by the submitters: PubMed 15545621 (cited by Labcorp Genetics (formerly Invitae), Labcorp); PubMed 17011332 (cited by Labcorp Genetics (formerly Invitae), Labcorp).

NM_000543.5(SMPD1):c.994C>G (p.Pro332Ala)

Gene: SMPD1 (sphingomyelin phosphodiesterase 1; plus strand). Cytogenetic location: 11p15.4.
Variant type: single nucleotide variant.
Coding change: c.994C>G on transcript NM_000543.5 (MANE Select); coding-DNA position 994, C replaced by G.
Protein change: p.Pro332Ala; replaces proline 332 with alanine.
Molecular consequence: missense variant. On other transcripts: synonymous variant (1), non-coding transcript variant (1).
Genome position (GRCh38, 1-based): chr11:6,392,059, C>G. VCF-style: chr11-6392059-C-G. GRCh37 (hg19) VCF-style: chr11-6413289-C-G.
Other names: c.991C>G, p.Pro331Ala (NM_001007593.3); c.994C>G, p.Pro332Ala (NM_001318087.2, NM_001365135.2); c.33C>G, p.Pro11= (NM_001318088.2); c.994C>G (NM_000543.4); short protein forms P331A, P332A.
Identifiers: ClinVar variation 1957383 (VCV001957383.7), dbSNP rs1327201504, ClinGen allele CA379371558.
Genomic context (GRCh38, chr11:6,392,059, plus strand): 5'-GTGCCAGTGTACCCTGCTGTGGGTAACCATGAAAGCACACCTGTCAATAGCTTCCCTCCC[C>G]CCTTCATTGAGGGCAACCACTCCTCCCGCTGGCTCTATGAAGCGATGGCCAAGGCTTGGG-3'
Protein context (NP_000534.3, residues 322-342): ESTPVNSFPP[Pro332Ala]FIEGNHSSRW